The following is an entry in ClinVar:

NM_147127.5(EVC2):c.3091dup (p.Gln1031fs)

Gene: EVC2 (EvC ciliary complex subunit 2; minus strand). Cytogenetic location: 4p16.2.
Variant type: Duplication.
Coding change: c.3091dup on transcript NM_147127.5 (MANE Select); coding-DNA position 3091, one base duplicated (C; older notation c.3091dupC).
Protein change: p.Gln1031fs; shifts the reading frame from glutamine 1031.
Molecular consequence: frameshift variant.
Genome position (GRCh38, 1-based): chr4:5,576,421, G duplicated on the plus strand (C on the coding strand, the reverse complement: EVC2 is on the minus strand); the first of 2 consecutive G bases (chr4:5,576,421-5,576,422); duplicating either gives the same sequence. VCF-style (leftmost placement, unchanged base first): chr4-5576420-T-TG. GRCh37 (hg19) VCF-style: chr4-5578147-T-TG.
Other names: c.2851dup, p.Gln951fs (NM_001166136.2); short protein forms Q1031fs, Q951fs.
Identifiers: ClinVar variation 5012261 (VCV005012261.1).

ClinVar aggregate classification (germline): Pathogenic (1 of 4 stars; one submission).

Conditions:
Ellis-van Creveld syndrome (EVC). Also called: MESOECTODERMAL DYSPLASIA; Chondroectodermal dysplasia. Identifiers: Orphanet 289, MedGen C0013903, MONDO:0009162, OMIM 225500.

Submission:

Myriad Genetics, Inc.
Classification: Pathogenic for Ellis-van Creveld syndrome. Last evaluated: 2023-09-27. Review status: criteria provided, single submitter. Criteria: Myriad Autosomal Dominant, Autosomal Recessive and X-Linked Classification Criteria (2023). Collection method: clinical testing. Allele origin: unknown.
Comment: NM_147127.4(EVC2):c.3091dupC(Q1031Pfs*37) is expected to be pathogenic in the context of EVC2-related Ellis-van Creveld syndrome. This variant is predicted to lead to an abnormal or absent protein product due to the creation of a premature termination codon in EVC2, a gene where loss-of-function variants are known to be pathogenic. Please note: this variant was assessed in the context of healthy population screening.